The following is an entry in ClinVar:

NM_000038.6(APC):c.2956T>C (p.Tyr986His)

Gene: APC (APC regulator of Wnt signaling pathway; plus strand). Cytogenetic location: 5q22.2.
Variant type: single nucleotide variant.
Coding change: c.2956T>C on transcript NM_000038.6 (MANE Select); coding-DNA position 2956, T replaced by C.
Protein change: p.Tyr986His; replaces tyrosine 986 with histidine.
Molecular consequence: missense variant.
Genome position (GRCh38, 1-based): chr5:112,838,550, T>C. VCF-style: chr5-112838550-T-C. GRCh37 (hg19) VCF-style: chr5-112174247-T-C.
Other names: c.3040T>C, p.Tyr1014His (NM_001407446.1); c.3010T>C, p.Tyr1004His (NM_001407447.1, NM_001407448.1, NM_001407449.1 and 1 more transcripts); c.2956T>C, p.Tyr986His (NM_001407450.1, NM_001127510.3, NM_001354895.2); c.2935T>C, p.Tyr979His (NM_001407451.1); c.2926T>C, p.Tyr976His (NM_001407452.1); c.2779T>C, p.Tyr927His (NM_001407453.1, NM_001354901.2); c.2707T>C, p.Tyr903His (NM_001407454.1, NM_001407455.1, NM_001407456.1 and 1 more transcripts); c.2653T>C, p.Tyr885His (NM_001407458.1, NM_001407459.1, NM_001407460.1 and 1 more transcripts); and 11 more; short protein forms Y1004H, Y1014H, Y860H, Y895H, Y903H, Y927H, Y945H, Y958H.
Identifiers: ClinVar variation 1798113 (VCV001798113.2), dbSNP rs2149881063, ClinGen allele CA16027789.

ClinVar aggregate classification (germline): Uncertain significance (1 of 4 stars; one submission).

Conditions:
Hereditary cancer-predisposing syndrome. Also called: Neoplastic Syndromes, Hereditary; Tumor predisposition; Hereditary Cancer Syndrome; Hereditary neoplastic syndrome. Identifiers: Orphanet 140162, MedGen C0027672, MeSH D009386, MONDO:0015356.

Submission:

Ambry Genetics
Classification: Uncertain significance for Hereditary cancer-predisposing syndrome. Last evaluated: 2022-06-13. Review status: criteria provided, single submitter. Criteria: Ambry Variant Classification Scheme 2023. Collection method: clinical testing. Allele origin: germline.
Comment: The p.Y986H variant (also known as c.2956T>C), located in coding exon 15 of the APC gene, results from a T to C substitution at nucleotide position 2956. The tyrosine at codon 986 is replaced by histidine, an amino acid with similar properties. This amino acid position is conserved. In addition, in silico predictors for this gene do not accurately predict pathogenicity. Since supporting evidence is limited at this time, the clinical significance of this alteration remains unclear.